The following is an entry in ClinVar:

NM_001844.5(COL2A1):c.760G>T (p.Asp254Tyr)

Gene: COL2A1 (collagen type II alpha 1 chain; minus strand). Cytogenetic location: 12q13.11.
Variant type: single nucleotide variant.
Coding change: c.760G>T on transcript NM_001844.5 (MANE Select); coding-DNA position 760, G replaced by T.
Protein change: p.Asp254Tyr; replaces aspartic acid 254 with tyrosine.
Molecular consequence: missense variant.
Genome position (GRCh38, 1-based): chr12:47,995,257, C>A on the plus strand (G>T on the coding strand, the complement: COL2A1 is on the minus strand). VCF-style: chr12-47995257-C-A. GRCh37 (hg19) VCF-style: chr12-48389040-C-A.
Other names: c.553G>T, p.Asp185Tyr (NM_033150.3); short protein forms D185Y, D254Y.
Identifiers: ClinVar variation 1217687 (VCV001217687.10), dbSNP rs1012776131, ClinGen allele CA236491433.
Genomic context (GRCh38, chr12:47,995,257, plus strand): 5'-CCTCTCCAGGCCCTTTCAAAGGAGGCAGCTCCTCATTTGTCTACTCGTGTATACTCACAT[C>A]ATCACCAGGCTTTCCAGGGGGACCAGGAGGACCACGGGGACCCATGGGACCCTACAAACA-3'
Protein context (NP_001835.3, residues 244-264): PPGPPGKPGD[Asp254Tyr]GEAGKPGKAG

ClinVar aggregate classification (germline): Uncertain significance. Review status: criteria provided, multiple submitters, no conflicts (2 of 4 stars). 2 submissions from 2 submitters: Uncertain significance (2). Last evaluated 2025-07-08.

Allele frequency attached by ClinVar (database versions not stated): gnomAD exomes 0.00001.
gnomAD v4.1: 3 of 1,613,090 alleles (0.00019%); highest among the groups gnomAD compares: Admixed American, 0.0033%; no homozygotes.

Submissions (2):

GeneDx
Classification: Uncertain significance. Last evaluated: 2025-07-08. Review status: criteria provided, single submitter. Criteria: GeneDx Variant Classification Process June 2021. Collection method: clinical testing. Allele origin: germline. Affected: yes.
Comment: In silico analysis supports that this missense variant has a deleterious effect on protein structure/function; Has not been previously published as pathogenic or benign to our knowledge; Occurs in the triple helical domain at the Y position in the canonical Gly-X-Y repeat; although this variant may have an effect on normal protein folding and function, missense substitution at the Y position is not a common mechanism of disease (HGMD)

Labcorp Genetics (formerly Invitae), Labcorp
Classification: Uncertain significance. Last evaluated: 2023-10-03. Review status: criteria provided, single submitter. Criteria: Invitae Variant Classification Sherloc (09022015). Collection method: clinical testing. Allele origin: germline.
Comment: This sequence change replaces aspartic acid, which is acidic and polar, with tyrosine, which is neutral and polar, at codon 254 of the COL2A1 protein (p.Asp254Tyr). This variant is present in population databases (no rsID available, gnomAD 0.003%). This variant has not been reported in the literature in individuals affected with COL2A1-related conditions. ClinVar contains an entry for this variant (Variation ID: 1217687). Experimental studies and prediction algorithms are not available or were not evaluated, and the functional significance of this variant is currently unknown. In summary, the available evidence is currently insufficient to determine the role of this variant in disease. Therefore, it has been classified as a Variant of Uncertain Significance.